The following is an entry in ClinVar:

ClinVar aggregate classification (germline): Uncertain significance (1 of 4 stars; one submission).

Allele frequency attached by ClinVar (database versions not stated): TOPMed below 0.00001; gnomAD 0.00001.
gnomAD v4.1: 1 of 1,613,726 alleles (0.000062%); highest among the groups gnomAD compares: Non-Finnish European, 0.000085%; no homozygotes.

Submission:

Ambry Genetics
Classification: Uncertain significance. Last evaluated: 2025-05-27. Review status: criteria provided, single submitter. Criteria: Ambry Variant Classification Scheme 2023. Collection method: clinical testing. Allele origin: germline.
Comment: The p.W438R variant (also known as c.1312T>C), located in coding exon 9 of the RINT1 gene, results from a T to C substitution at nucleotide position 1312. The tryptophan at codon 438 is replaced by arginine, an amino acid with dissimilar properties. This amino acid position is conserved. In addition, this alteration is predicted to be deleterious by in silico analysis. Since supporting evidence is limited at this time, the clinical significance of this alteration remains unclear.

NM_021930.6(RINT1):c.1312T>C (p.Trp438Arg)

Gene: RINT1 (RAD50 interactor 1; plus strand). Cytogenetic location: 7q22.3.
Variant type: single nucleotide variant.
Coding change: c.1312T>C on transcript NM_021930.6 (MANE Select); coding-DNA position 1312, T replaced by C.
Protein change: p.Trp438Arg; replaces tryptophan 438 with arginine.
Molecular consequence: missense variant. On other transcripts: non-coding transcript variant (1).
Genome position (GRCh38, 1-based): chr7:105,550,465, T>C. VCF-style: chr7-105550465-T-C. GRCh37 (hg19) VCF-style: chr7-105190912-T-C.
Other names: c.1078T>C, p.Trp360Arg (NM_001346599.2); c.289T>C, p.Trp97Arg (NM_001346600.2, NM_001346603.2); c.388T>C, p.Trp130Arg (NM_001346601.2); short protein forms W360R, W130R, W97R, W438R.
Identifiers: ClinVar variation 1769707 (VCV001769707.3), dbSNP rs1166532366, ClinGen allele CA368809427.